The following is an entry in ClinVar:

NM_001606.5(ABCA2):c.4919G>A (p.Arg1640His)

Gene: ABCA2 (ATP binding cassette subfamily A member 2; minus strand). Cytogenetic location: 9q34.3.
Variant type: single nucleotide variant.
Coding change: c.4919G>A on transcript NM_001606.5 (MANE Select); coding-DNA position 4919, G replaced by A.
Protein change: p.Arg1640His; replaces arginine 1640 with histidine.
Molecular consequence: missense variant.
Genome position (GRCh38, 1-based): chr9:137,012,874, C>T on the plus strand (G>A on the coding strand, the complement: ABCA2 is on the minus strand). VCF-style: chr9-137012874-C-T. GRCh37 (hg19) VCF-style: chr9-139907326-C-T.
Other names: c.4916G>A, p.Arg1639His (NM_001411042.1); c.5009G>A, p.Arg1670His (NM_212533.3); short protein forms R1639H, R1640H, R1670H.
Identifiers: ClinVar variation 2462104 (VCV002462104.5), dbSNP rs1052489775, ClinGen allele CA201700370.

ClinVar aggregate classification (germline): Uncertain significance. Review status: criteria provided, multiple submitters, no conflicts (2 of 4 stars). 2 submissions from 2 submitters: Uncertain significance (2). Last evaluated 2025-10-01.

Conditions:
Intellectual developmental disorder with poor growth and with or without seizures or ataxia. Identifiers: MedGen C5394135, MONDO:0032930, OMIM 618808.

Allele frequency attached by ClinVar (database versions not stated): TOPMed 0.00002; gnomAD 0.00005.
gnomAD v4.1: 21 of 1,585,594 alleles (0.0013%); highest among the groups gnomAD compares: African/African-American, 0.011%; no homozygotes.

Submissions (2):

Ambry Genetics
Classification: Uncertain significance. Last evaluated: 2025-10-01. Review status: criteria provided, single submitter. Criteria: Ambry Variant Classification Scheme 2023. Collection method: clinical testing. Allele origin: germline.

Juno Genomics, Hangzhou Juno Genomics, Inc
Classification: Uncertain significance for Intellectual developmental disorder with poor growth and with or without seizures or ataxia. Review status: criteria provided, single submitter. Criteria: ACMG Guidelines, 2015. Collection method: clinical testing. Allele origin: germline.
Comment: Absent from controls (or at extremely low frequency if recessive) in Genome Aggregation Database.;Missense variant in a gene that has a low rate of benign missense variation.